The following is an entry in ClinVar:

ClinVar aggregate classification (germline): Pathogenic. Review status: criteria provided, multiple submitters, no conflicts (2 of 4 stars). 3 submissions from 3 submitters: Pathogenic (2). 1 of the submissions does not count toward it. Last evaluated 2026-05-11.

Conditions:
Arrhythmogenic cardiomyopathy with wooly hair and keratoderma. Also called: PALMOPLANTAR KERATODERMA WITH LEFT VENTRICULAR CARDIOMYOPATHY AND WOOLLY HAIR; Arrhythmogenic cardiomyopathy with woolly hair and keratoderma; Carvajal syndrome; Dilated cardiomyopathy with woolly hair and keratoderma. Identifiers: Orphanet 65282, MedGen C1854063, MONDO:0011581, OMIM 605676.
Arrhythmogenic right ventricular dysplasia 8 (ARVD8). Also called: Arrhythmogenic Right Ventricular Dysplasia/Cardiomyopathy 8; ARRHYTHMOGENIC RIGHT VENTRICULAR DYSPLASIA, FAMILIAL, 8; ARRHYTHMOGENIC RIGHT VENTRICULAR CARDIOMYOPATHY 8. Identifiers: MedGen C1843896, MONDO:0011831, OMIM 607450.
Familial isolated arrhythmogenic right ventricular dysplasia. Identifiers: Orphanet 217656, MedGen C4274968, MONDO:0016342.
Cardiomyopathy, dilated, with wooly hair, keratoderma, and tooth agenesis. Also called: Erythrokeratodermia-cardiomyopathy syndrome; Cardiomyopathy, dilated, with woolly hair, keratoderma, and tooth agenesis. Identifiers: Orphanet 476096, Orphanet 65282, MedGen C4014393, MONDO:0014355, OMIM 615821.

Submissions (3):

Women's Health and Genetics/Laboratory Corporation of America, LabCorp
Classification: Pathogenic for Familial isolated arrhythmogenic right ventricular dysplasia. Last evaluated: 2026-05-11. Review status: criteria provided, single submitter. Criteria: LabCorp Variant Classification Summary - May 2015. Collection method: clinical testing. Allele origin: germline.
Comment: Variant summary: DSP c.748C>T (p.Gln250X) results in a premature termination codon, predicted to cause a truncation of the encoded protein or absence of the protein due to nonsense mediated decay, which are commonly known mechanisms for disease. The variant was absent in 251422 control chromosomes. c.748C>T has been observed in individual(s) affected with dilated cardiomyopathy (Xiao_2021). To our knowledge, no experimental evidence demonstrating an impact on protein function has been reported. The following publication have been ascertained in the context of this evaluation (PMID: 33996946). ClinVar contains an entry for this variant (Variation ID: 1012338). Based on the evidence outlined above, the variant was classified as pathogenic.

Labcorp Genetics (formerly Invitae), Labcorp
Classification: Pathogenic for Arrhythmogenic cardiomyopathy with wooly hair and keratoderma; Arrhythmogenic right ventricular dysplasia 8. Last evaluated: 2026-01-06. Review status: criteria provided, single submitter. Criteria: Invitae Variant Classification Sherloc (09022015). Collection method: clinical testing. Allele origin: germline.
Comment: This sequence change creates a premature translational stop signal (p.Gln250*) in the DSP gene. It is expected to result in an absent or disrupted protein product. Loss-of-function variants in DSP are known to be pathogenic (PMID: 20716751, 24503780, 25227139, 30398466). This variant is not present in population databases (gnomAD no frequency). This premature translational stop signal has been observed in individual(s) with dilated cardiomyopathy (PMID: 34011823). ClinVar contains an entry for this variant (Variation ID: 1012338). For these reasons, this variant has been classified as Pathogenic.

KTest Genetics, KTest
Classification: Pathogenic for Cardiomyopathy, dilated, with wooly hair, keratoderma, and tooth agenesis. Review status: no assertion criteria provided. Criteria: ACMG Guidelines, 2015. Collection method: clinical testing. Allele origin: germline. Affected: yes. Not counted in ClinVar's aggregate classification.

Literature cited by the submitters: PubMed 33996946 (cited by Women's Health and Genetics/Laboratory Corporation of America, LabCorp); PubMed 20716751 (cited by Labcorp Genetics (formerly Invitae), Labcorp); PubMed 24503780 (cited by Labcorp Genetics (formerly Invitae), Labcorp); PubMed 25227139 (cited by Labcorp Genetics (formerly Invitae), Labcorp); PubMed 30398466 (cited by Labcorp Genetics (formerly Invitae), Labcorp); PubMed 34011823 (cited by Labcorp Genetics (formerly Invitae), Labcorp).

NM_004415.4(DSP):c.748C>T (p.Gln250Ter)

Gene: DSP (desmoplakin; plus strand). Cytogenetic location: 6p24.3.
Variant type: single nucleotide variant.
Coding change: c.748C>T on transcript NM_004415.4 (MANE Select); coding-DNA position 748, C replaced by T.
Protein change: p.Gln250Ter; replaces glutamine 250 with a stop codon.
Molecular consequence: nonsense.
Genome position (GRCh38, 1-based): chr6:7,563,757, C>T. VCF-style: chr6-7563757-C-T. GRCh37 (hg19) VCF-style: chr6-7563990-C-T.
Other names: c.748C>T, p.Gln250Ter (NM_001008844.3, NM_001319034.2); short protein forms Q250*.
Identifiers: ClinVar variation 1012338 (VCV001012338.4), dbSNP rs2113666898, ClinGen allele CA362673695.